The following is an entry in ClinVar:

ClinVar aggregate classification (germline): Uncertain significance. Review status: criteria provided, multiple submitters, no conflicts (2 of 4 stars). 3 submissions from 3 submitters: Uncertain significance (2). 1 of the submissions does not count toward it. Last evaluated 2025-09-03.

Conditions:
Inborn genetic diseases. Identifiers: MedGen C0950123, MeSH D030342.
ITGB3-related disorder. Also called: ITGB3-related condition.

Allele frequency attached by ClinVar (database versions not stated): gnomAD exomes below 0.00001; TOPMed below 0.00001; gnomAD 0.00003.
gnomAD v4.1: 11 of 1,613,896 alleles (0.00068%); highest among the groups gnomAD compares: Middle Eastern, 0.016%; no homozygotes.

Submissions (3):

Labcorp Genetics (formerly Invitae), Labcorp
Classification: Uncertain significance. Last evaluated: 2025-09-03. Review status: criteria provided, single submitter. Criteria: Invitae Variant Classification Sherloc (09022015). Collection method: clinical testing. Allele origin: germline.
Comment: This sequence change replaces arginine, which is basic and polar, with glutamine, which is neutral and polar, at codon 176 of the ITGB3 protein (p.Arg176Gln). This variant is present in population databases (no rsID available, gnomAD 0.01%). This variant has not been reported in the literature in individuals affected with ITGB3-related conditions. ClinVar contains an entry for this variant (Variation ID: 2378150). Invitae Evidence Modeling of protein sequence and biophysical properties (such as structural, functional, and spatial information, amino acid conservation, physicochemical variation, residue mobility, and thermodynamic stability) indicates that this missense variant is not expected to disrupt ITGB3 protein function with a negative predictive value of 80%. In summary, the available evidence is currently insufficient to determine the role of this variant in disease. Therefore, it has been classified as a Variant of Uncertain Significance.

Ambry Genetics
Classification: Uncertain significance for Inborn genetic diseases. Last evaluated: 2025-06-03. Review status: criteria provided, single submitter. Criteria: Ambry Variant Classification Scheme 2023. Collection method: clinical testing. Allele origin: germline.

PreventionGenetics, part of Exact Sciences
Classification: Uncertain significance for ITGB3-related condition. Last evaluated: 2024-02-07. Review status: no assertion criteria provided. Collection method: clinical testing. Allele origin: germline. Not counted in ClinVar's aggregate classification.
Comment: The ITGB3 c.527G>A variant is predicted to result in the amino acid substitution p.Arg176Gln. To our knowledge, this variant has not been reported in the literature. This variant is reported in 0.012% of alleles in individuals of African descent in gnomAD. At this time, the clinical significance of this variant is uncertain due to the absence of conclusive functional and genetic evidence.

NM_000212.3(ITGB3):c.527G>A (p.Arg176Gln)

Gene: ITGB3 (integrin subunit beta 3; plus strand). Cytogenetic location: 17q21.32.
Variant type: single nucleotide variant.
Coding change: c.527G>A on transcript NM_000212.3 (MANE Select); coding-DNA position 527, G replaced by A.
Protein change: p.Arg176Gln; replaces arginine 176 with glutamine.
Molecular consequence: missense variant.
Genome position (GRCh38, 1-based): chr17:47,284,608, G>A. VCF-style: chr17-47284608-G-A. GRCh37 (hg19) VCF-style: chr17-45361974-G-A.
Other names: short protein forms R176Q.
Identifiers: ClinVar variation 2378150 (VCV002378150.6), dbSNP rs1444020101, ClinGen allele CA400023052.